The following is an entry in ClinVar:

NM_000243.3(MEFV):c.718C>G (p.Pro240Ala)

Gene: MEFV (MEFV innate immunity regulator, pyrin; minus strand). Cytogenetic location: 16p13.3.
Variant type: single nucleotide variant.
Coding change: c.718C>G on transcript NM_000243.3 (MANE Select); coding-DNA position 718, C replaced by G.
Protein change: p.Pro240Ala; replaces proline 240 with alanine.
Molecular consequence: missense variant. On other transcripts: intron variant (1).
Genome position (GRCh38, 1-based): chr16:3,254,350, G>C on the plus strand (C>G on the coding strand, the complement: MEFV is on the minus strand). VCF-style: chr16-3254350-G-C. GRCh37 (hg19) VCF-style: chr16-3304350-G-C.
Other names: c.277+1961C>G (NM_001198536.2); short protein forms P240A.
Identifiers: ClinVar variation 2127293 (VCV002127293.4), dbSNP rs1310144955, ClinGen allele CA394478177.

ClinVar aggregate classification (germline): Uncertain significance (1 of 4 stars; one submission).

Conditions:
Familial Mediterranean fever (FMF). Also called: POLYSEROSITIS, FAMILIAL PAROXYSMAL; POLYSEROSITIS, RECURRENT; Periodic peritonitis; Benign paroxysmal peritonitis. Identifiers: Orphanet 342, MedGen C0031069, MONDO:0018088, OMIM 249100. Disease mechanism: gain of function.

Allele frequency attached by ClinVar (database versions not stated): TOPMed below 0.00001.

Submission:

Labcorp Genetics (formerly Invitae), Labcorp
Classification: Uncertain significance for Familial Mediterranean fever. Last evaluated: 2022-04-18. Review status: criteria provided, single submitter. Criteria: Invitae Variant Classification Sherloc (09022015). Collection method: clinical testing. Allele origin: germline.
Comment: In summary, the available evidence is currently insufficient to determine the role of this variant in disease. Therefore, it has been classified as a Variant of Uncertain Significance. Algorithms developed to predict the effect of missense changes on protein structure and function are either unavailable or do not agree on the potential impact of this missense change (SIFT: "Tolerated"; PolyPhen-2: "Probably Damaging"; Align-GVGD: "Class C0"). This variant has not been reported in the literature in individuals affected with MEFV-related conditions. This variant is present in population databases (no rsID available, gnomAD 0.0009%). This sequence change replaces proline, which is neutral and non-polar, with alanine, which is neutral and non-polar, at codon 240 of the MEFV protein (p.Pro240Ala).